The following is an entry in ClinVar:

NM_032409.3(PINK1):c.620G>A (p.Arg207Gln)

Gene: PINK1 (PTEN induced kinase 1; plus strand). Cytogenetic location: 1p36.12.
Variant type: single nucleotide variant.
Coding change: c.620G>A on transcript NM_032409.3 (MANE Select); coding-DNA position 620, G replaced by A.
Protein change: p.Arg207Gln; replaces arginine 207 with glutamine.
Molecular consequence: missense variant.
Genome position (GRCh38, 1-based): chr1:20,638,074, G>A. VCF-style: chr1-20638074-G-A. GRCh37 (hg19) VCF-style: chr1-20964567-G-A.
Other names: short protein forms R207Q.
Identifiers: ClinVar variation 876798 (VCV000876798.11), dbSNP rs759468742, ClinGen allele CA660468.

ClinVar aggregate classification (germline): Conflicting classifications of pathogenicity. Review status: criteria provided, conflicting classifications (1 of 4 stars). 3 submissions from 3 submitters: Uncertain significance (2); Likely benign (1). Last evaluated 2025-08-01.

Conditions:
Autosomal recessive early-onset Parkinson disease 6 (PARK6). Also called: PINK1-Related Parkinson Disease; PINK1 Type of Young-Onset Parkinson Disease; PARKINSON DISEASE 6, EARLY-ONSET; PARKINSON DISEASE 6, MODIFIER OF. Identifiers: Orphanet 2828, MedGen C1853833, MONDO:0011613, OMIM 605909.

Allele frequency attached by ClinVar (database versions not stated): gnomAD 0.00004; TOPMed 0.00010; ExAC 0.00013; gnomAD exomes 0.00016.
gnomAD v4.1: 86 of 1,613,920 alleles (0.0053%); highest among the groups gnomAD compares: Admixed American, 0.038%; no homozygotes.

Submissions (3):

Labcorp Genetics (formerly Invitae), Labcorp
Classification: Likely benign for Autosomal recessive early-onset Parkinson disease 6. Last evaluated: 2025-08-01. Review status: criteria provided, single submitter. Criteria: Invitae Variant Classification Sherloc (09022015). Collection method: clinical testing. Allele origin: germline.

Fulgent Genetics
Classification: Uncertain significance for Autosomal recessive early-onset Parkinson disease 6. Last evaluated: 2021-11-08. Review status: criteria provided, single submitter. Criteria: ACMG Guidelines, 2015. Collection method: clinical testing. Allele origin: unknown.

Illumina Laboratory Services, Illumina
Classification: Uncertain significance for Autosomal recessive early-onset Parkinson disease 6. Last evaluated: 2017-04-27. Review status: criteria provided, single submitter. Criteria: ICSL Variant Classification Criteria 13 December 2019. Collection method: clinical testing. Allele origin: germline.
Comment: This variant was observed as part of a predisposition screen in an ostensibly healthy population. A literature search was performed for the gene, cDNA change, and amino acid change (where applicable). Publications were found based on this search. However, the evidence from the literature, in combination with allele frequency data from public databases where available, was not sufficient to rule this variant in or out of causing disease. Therefore, this variant is classified as a variant of unknown significance.

Literature cited by the submitters: PubMed 15584030 (cited by Illumina Laboratory Services, Illumina); PubMed 21488273 (cited by Illumina Laboratory Services, Illumina); PubMed 21925922 (cited by Illumina Laboratory Services, Illumina).